The following is an entry in ClinVar:

ClinVar aggregate classification (germline): Uncertain significance (1 of 4 stars; one submission).

Conditions:
FG syndrome (FGS). Identifiers: MedGen C0220769, MONDO:0002010.

Submission:

Labcorp Genetics (formerly Invitae), Labcorp
Classification: Uncertain significance for FG syndrome. Last evaluated: 2022-04-05. Review status: criteria provided, single submitter. Criteria: Invitae Variant Classification Sherloc (09022015). Collection method: clinical testing. Allele origin: germline.
Comment: This sequence change falls in intron 21 of the MED12 gene. It does not directly change the encoded amino acid sequence of the MED12 protein. This variant is not present in population databases (gnomAD no frequency). This variant has not been reported in the literature in individuals affected with MED12-related conditions. Algorithms developed to predict the effect of sequence changes on RNA splicing suggest that this variant may disrupt the consensus splice site. In summary, the available evidence is currently insufficient to determine the role of this variant in disease. Therefore, it has been classified as a Variant of Uncertain Significance.

NM_005120.3(MED12):c.2982-14C>T

Gene: MED12 (mediator complex subunit 12; plus strand). Cytogenetic location: Xq13.1.
Variant type: single nucleotide variant.
Coding change: c.2982-14C>T on transcript NM_005120.3 (MANE Select); 14 bases into the intron before coding-DNA position 2982, C replaced by T.
Molecular consequence: intron variant.
Genome position (GRCh38, 1-based): chrX:71,127,879, C>T. VCF-style: chrX-71127879-C-T. GRCh37 (hg19) VCF-style: chrX-70347729-C-T.
Identifiers: ClinVar variation 2121774 (VCV002121774.4), dbSNP rs2519687455, ClinGen allele CA2580101345.